The following is an entry in ClinVar:

NM_005333.5(HCCS):c.244T>C (p.Ser82Pro)

Gene: HCCS (holocytochrome c synthase; plus strand). Cytogenetic location: Xp22.2.
Variant type: single nucleotide variant.
Coding change: c.244T>C on transcript NM_005333.5 (MANE Select); coding-DNA position 244, T replaced by C.
Protein change: p.Ser82Pro; replaces serine 82 with proline.
Molecular consequence: missense variant.
Genome position (GRCh38, 1-based): chrX:11,114,978, T>C. VCF-style: chrX-11114978-T-C. GRCh37 (hg19) VCF-style: chrX-11133098-T-C.
Other names: c.244T>C, p.Ser82Pro (NM_001122608.3, NM_001171991.3); short protein forms S82P.
Identifiers: ClinVar variation 4773203 (VCV004773203.1).

ClinVar aggregate classification (germline): Uncertain significance (1 of 4 stars; one submission).

gnomAD v4.1: 4 of 1,207,755 alleles (0.00033%); highest among the groups gnomAD compares: Non-Finnish European, 0.00045%; no homozygotes.

Submission:

Labcorp Genetics (formerly Invitae), Labcorp
Classification: Uncertain significance. Last evaluated: 2025-05-27. Review status: criteria provided, single submitter. Criteria: Invitae Variant Classification Sherloc (09022015). Collection method: clinical testing. Allele origin: germline.
Comment: This sequence change replaces serine, which is neutral and polar, with proline, which is neutral and non-polar, at codon 82 of the HCCS protein (p.Ser82Pro). This variant is not present in population databases (gnomAD no frequency). This variant has not been reported in the literature in individuals affected with HCCS-related conditions. Invitae Evidence Modeling of protein sequence and biophysical properties (such as structural, functional, and spatial information, amino acid conservation, physicochemical variation, residue mobility, and thermodynamic stability) indicates that this missense variant is not expected to disrupt HCCS protein function with a negative predictive value of 80%. In summary, the available evidence is currently insufficient to determine the role of this variant in disease. Therefore, it has been classified as a Variant of Uncertain Significance.